The following is an entry in ClinVar:

ClinVar aggregate classification (germline): Benign. Review status: criteria provided, multiple submitters, no conflicts (2 of 4 stars). 2 submissions from 2 submitters: Benign (2). Last evaluated 2025-12-03.

Conditions:
Emery-Dreifuss muscular dystrophy 5, autosomal dominant (EDMD5). Also called: EMERY-DREIFUSS MUSCULAR DYSTROPHY 5. Identifiers: Orphanet 261, MedGen C2751805, MONDO:0013072, OMIM 612999.

Allele frequency attached by ClinVar (database versions not stated): gnomAD 0.00029 and 0.00039; TOPMed 0.00056; 1000 Genomes Project 0.00220; 1000 Genomes Project 30x 0.00234.
gnomAD v4.1: 406 of 1,614,090 alleles (0.025%); highest among the groups gnomAD compares: East Asian, 0.79%; 2 homozygotes.

Submissions (2):

Labcorp Genetics (formerly Invitae), Labcorp
Classification: Benign for Emery-Dreifuss muscular dystrophy 5, autosomal dominant. Last evaluated: 2025-12-03. Review status: criteria provided, single submitter. Criteria: Invitae Variant Classification Sherloc (09022015). Collection method: clinical testing. Allele origin: germline.

Illumina Laboratory Services, Illumina
Classification: Benign for Emery-Dreifuss muscular dystrophy 5, autosomal dominant. Last evaluated: 2018-01-12. Review status: criteria provided, single submitter. Criteria: ICSL Variant Classification Criteria 13 December 2019. Collection method: clinical testing. Allele origin: germline.
Comment: This variant was observed in the ICSL laboratory as part of a predisposition screen in an ostensibly healthy population. It had not been previously curated by ICSL or reported in the Human Gene Mutation Database (HGMD: prior to June 1st, 2018), and was therefore a candidate for classification through an automated scoring system. Utilizing variant allele frequency, disease prevalence and penetrance estimates, and inheritance mode, an automated score was calculated to assess if this variant is too frequent to cause the disease. Based on the score and internal cut-off values, a variant classified as benign is not then subjected to further curation. The score for this variant resulted in a classification of benign for this disease.

NM_182914.3(SYNE2):c.7467G>C (p.Leu2489Phe)

Gene: SYNE2 (spectrin repeat containing nuclear envelope protein 2; plus strand). Cytogenetic location: 14q23.2.
Variant type: single nucleotide variant.
Coding change: c.7467G>C on transcript NM_182914.3 (MANE Select); coding-DNA position 7467, G replaced by C.
Protein change: p.Leu2489Phe; replaces leucine 2489 with phenylalanine.
Molecular consequence: missense variant.
Genome position (GRCh38, 1-based): chr14:64,049,700, G>C. VCF-style: chr14-64049700-G-C. GRCh37 (hg19) VCF-style: chr14-64516418-G-C.
Other names: c.7467G>C, p.Leu2489Phe (NM_015180.6); short protein forms L2489F.
Identifiers: ClinVar variation 313531 (VCV000313531.14), dbSNP rs143031135, ClinGen allele CA7220941.